The following is an entry in ClinVar:

ClinVar aggregate classification (germline): Uncertain significance (1 of 4 stars; one submission).

Submission:

Ambry Genetics
Classification: Uncertain significance. Last evaluated: 2021-10-29. Review status: criteria provided, single submitter. Criteria: Ambry Variant Classification Scheme 2023. Collection method: clinical testing. Allele origin: germline.
Comment: The p.T1385S variant (also known as c.4154C>G), located in coding exon 16 of the POLQ gene, results from a C to G substitution at nucleotide position 4154. The threonine at codon 1385 is replaced by serine, an amino acid with similar properties. This amino acid position is conserved. In addition, this alteration is predicted to be tolerated by in silico analysis. Since supporting evidence is limited at this time, the clinical significance of this alteration remains unclear.

NM_199420.4(POLQ):c.4154C>G (p.Thr1385Ser)

Gene: POLQ (DNA polymerase theta; minus strand). Cytogenetic location: 3q13.33.
Variant type: single nucleotide variant.
Coding change: c.4154C>G on transcript NM_199420.4 (MANE Select); coding-DNA position 4154, C replaced by G.
Protein change: p.Thr1385Ser; replaces threonine 1385 with serine.
Molecular consequence: missense variant.
Genome position (GRCh38, 1-based): chr3:121,488,777, G>C on the plus strand (C>G on the coding strand, the complement: POLQ is on the minus strand). VCF-style: chr3-121488777-G-C. GRCh37 (hg19) VCF-style: chr3-121207624-G-C.
Other names: short protein forms T1385S.
Identifiers: ClinVar variation 1738284 (VCV001738284.2), dbSNP rs2546786272, ClinGen allele CA354095963.